The following is an entry in ClinVar:

ClinVar aggregate classification (germline): Uncertain significance (1 of 4 stars; one submission).

Conditions:
Inborn genetic diseases. Identifiers: MedGen C0950123, MeSH D030342.

Submission:

Ambry Genetics
Classification: Uncertain significance for Inborn genetic diseases. Last evaluated: 2024-05-11. Review status: criteria provided, single submitter. Criteria: Ambry Variant Classification Scheme 2023. Collection method: clinical testing. Allele origin: germline.
Comment: The p.T1890A variant (also known as c.5668A>G), located in coding exon 33 of the ATR gene, results from an A to G substitution at nucleotide position 5668. The threonine at codon 1890 is replaced by alanine, an amino acid with similar properties. This amino acid position is conserved. In addition, the in silico prediction for this alteration is inconclusive. Based on the available evidence, the clinical significance of this variant remains unclear.

NM_001184.4(ATR):c.5668A>G (p.Thr1890Ala)

Gene: ATR (ATR serine/threonine kinase; minus strand). Cytogenetic location: 3q23.
Variant type: single nucleotide variant.
Coding change: c.5668A>G on transcript NM_001184.4 (MANE Select); coding-DNA position 5668, A replaced by G.
Protein change: p.Thr1890Ala; replaces threonine 1890 with alanine.
Molecular consequence: missense variant.
Genome position (GRCh38, 1-based): chr3:142,497,083, T>C on the plus strand (A>G on the coding strand, the complement: ATR is on the minus strand). VCF-style: chr3-142497083-T-C. GRCh37 (hg19) VCF-style: chr3-142215925-T-C.
Other names: c.5476A>G, p.Thr1826Ala (NM_001354579.2); short protein forms T1826A, T1890A.
Identifiers: ClinVar variation 3331911 (VCV003331911.1).